The following is an entry in ClinVar:

NM_001330723.2(SNX27):c.908C>G (p.Ala303Gly)

Gene: SNX27 (sorting nexin 27; plus strand). Cytogenetic location: 1q21.3.
Variant type: single nucleotide variant.
Coding change: c.908C>G on transcript NM_001330723.2 (MANE Select); coding-DNA position 908, C replaced by G.
Protein change: p.Ala303Gly; replaces alanine 303 with glycine.
Molecular consequence: missense variant.
Genome position (GRCh38, 1-based): chr1:151,665,934, C>G. VCF-style: chr1-151665934-C-G. GRCh37 (hg19) VCF-style: chr1-151638410-C-G.
Other names: c.908C>G, p.Ala303Gly (NM_030918.6); short protein forms A303G.
Identifiers: ClinVar variation 2039242 (VCV002039242.4), dbSNP rs751034029, ClinGen allele CA341963830.
Genomic context (GRCh38, chr1:151,665,934, plus strand): 5'-TTCCTACAGCATTGTCTGACTTAATTTTCTTGAAACCAATCTATCCTGTTTAACCTTAGG[C>G]TATCGCAGCAAAGGTTGGCATGGACAGTACGACAGTGAATTACTTTGCCTTATTTGAAGT-3'
Protein context (NP_001317652.1, residues 293-313): KNSTTDQVYQ[Ala303Gly]IAAKVGMDST

ClinVar aggregate classification (germline): Uncertain significance (1 of 4 stars; one submission).

Conditions:
Severe myoclonic epilepsy in infancy (DRVT). Also called: Dravet syndrome; Epileptic encephalopathy, early infantile, 6 (Dravet syndrome); SEVERE MYOCLONIC EPILEPSY OF INFANCY; DEVELOPMENTAL AND EPILEPTIC ENCEPHALOPATHY 6A; Severe Myoclonic Epilepsy in Infancy (SMEI). Identifiers: Orphanet 33069, MedGen C0751122, MONDO:0100135, OMIM 607208.

Allele frequency attached by ClinVar (database versions not stated): gnomAD 0.00001.
gnomAD v4.1: 19 of 1,598,214 alleles (0.0012%); highest among the groups gnomAD compares: Non-Finnish European, 0.0016%; 1 homozygote.

Submission:

Labcorp Genetics (formerly Invitae), Labcorp
Classification: Uncertain significance for Severe myoclonic epilepsy in infancy. Last evaluated: 2022-08-09. Review status: criteria provided, single submitter. Criteria: Invitae Variant Classification Sherloc (09022015). Collection method: clinical testing. Allele origin: germline.
Comment: Algorithms developed to predict the effect of sequence changes on RNA splicing suggest that this variant may create or strengthen a splice site. Algorithms developed to predict the effect of missense changes on protein structure and function are either unavailable or do not agree on the potential impact of this missense change (SIFT: "Deleterious"; PolyPhen-2: "Benign"; Align-GVGD: "Class C0"). This variant has not been reported in the literature in individuals affected with SNX27-related conditions. This variant is not present in population databases (gnomAD no frequency). This sequence change replaces alanine, which is neutral and non-polar, with glycine, which is neutral and non-polar, at codon 303 of the SNX27 protein (p.Ala303Gly). In summary, the available evidence is currently insufficient to determine the role of this variant in disease. Therefore, it has been classified as a Variant of Uncertain Significance.